The following is an entry in ClinVar:

NM_000304.4(PMP22):c.235T>A (p.Ser79Thr)

Gene: PMP22 (peripheral myelin protein 22; minus strand). Cytogenetic location: 17p12.
Variant type: single nucleotide variant.
Coding change: c.235T>A on transcript NM_000304.4 (MANE Select); coding-DNA position 235, T replaced by A.
Protein change: p.Ser79Thr; replaces serine 79 with threonine.
Molecular consequence: missense variant. On other transcripts: non-coding transcript variant (2).
Genome position (GRCh38, 1-based): chr17:15,239,555, A>T on the plus strand (T>A on the coding strand, the complement: PMP22 is on the minus strand). VCF-style: chr17-15239555-A-T. GRCh37 (hg19) VCF-style: chr17-15142872-A-T.
Other names: c.235T>A, p.Ser79Thr (NM_001281455.2, NM_001281456.2, NM_001330143.2 and 2 more transcripts); short protein forms S79T.
Identifiers: ClinVar variation 217236 (VCV000217236.7), dbSNP rs863225027, ClinGen allele CA279110.
Genomic context (GRCh38, chr17:15,239,555, plus strand): 5'-TGATGTAAAACCTGCCCCCCTTGGTGAGGGTGAAGAGTTGGCAGAAGAACAGGAACAGAG[A>T]CAGAATGCTGAAGATGATCGACAGGATCATGGTGGCCTGGACAGACTGCAGCCATTCTGG-3'
Protein context (NP_000295.1, residues 69-89): MILSIIFSIL[Ser79Thr]LFLFFCQLFT

ClinVar aggregate classification (germline): Likely pathogenic. Review status: criteria provided, multiple submitters, no conflicts (2 of 4 stars). 2 submissions from 2 submitters: Likely pathogenic (2). Last evaluated 2019-06-23.

Conditions:
Charcot-Marie-Tooth disease, type IA (CMT1A). Also called: CHARCOT-MARIE-TOOTH DISEASE, DEMYELINATING, TYPE 1A; CHARCOT-MARIE-TOOTH DISEASE, AUTOSOMAL DOMINANT, WITH FOCALLY FOLDED MYELIN SHEATHS, TYPE 1A; CHARCOT-MARIE-TOOTH NEUROPATHY, TYPE 1A; Charcot-Marie-Tooth disease type 1A; CMT 1A; Hereditary motor and sensory neuropathy 1A. Identifiers: Orphanet 101081, MedGen C0270911, MONDO:0007309, OMIM 118220.
Charcot-Marie-Tooth disease, type I (CMT1). Also called: Charcot-Marie-Tooth, Type 1; Charcot-Marie-Tooth disease type 1. Identifiers: Orphanet 65753, MedGen C0751036, MONDO:0019011.

Submissions (2):

Labcorp Genetics (formerly Invitae), Labcorp
Classification: Likely pathogenic for Charcot-Marie-Tooth disease, type I. Last evaluated: 2019-06-23. Review status: criteria provided, single submitter. Criteria: Invitae Variant Classification Sherloc (09022015). Collection method: clinical testing. Allele origin: germline.
Comment: In summary, the currently available evidence indicates that the variant is pathogenic, but additional data are needed to prove that conclusively. Therefore, this variant has been classified as Likely Pathogenic. This variant disrupts the p.Ser79 amino acid residue in PMP22. Other variants that disrupt this residue have been observed in individuals with PMP22-related conditions (PMID: 8510709, 9452053), which suggests that this may be a clinically significant amino acid residue. Algorithms developed to predict the effect of missense changes on protein structure and function are either unavailable or do not agree on the potential impact of this missense change (SIFT: "Deleterious"; PolyPhen-2: "Possibly Damaging"; Align-GVGD: "Class C0"). This variant has been observed to be de novo in an individual affected with Dejerine–Sottas neuropathy (PMID: 22006697). ClinVar contains an entry for this variant (Variation ID: 217236). This variant is not present in population databases (ExAC no frequency). This sequence change replaces serine with threonine at codon 79 of the PMP22 protein (p.Ser79Thr). The serine residue is highly conserved and there is a small physicochemical difference between serine and threonine.

Athena Diagnostics
Classification: Likely pathogenic for Charcot-Marie-Tooth disease, type IA. Last evaluated: 2015-08-14. Review status: criteria provided, single submitter. Criteria: Athena Diagnostics Criteria. Collection method: clinical testing. Allele origin: germline. Inheritance: Autosomal dominant inheritance.

Literature cited by the submitters: PubMed 8510709 (cited by Labcorp Genetics (formerly Invitae), Labcorp); PubMed 9452053 (cited by Labcorp Genetics (formerly Invitae), Labcorp); PubMed 22006697 (cited by Labcorp Genetics (formerly Invitae), Labcorp and Athena Diagnostics).